The following is an entry in ClinVar:

ClinVar aggregate classification (germline): Uncertain significance. Review status: criteria provided, multiple submitters, no conflicts (2 of 4 stars). 2 submissions from 2 submitters: Uncertain significance (2). Last evaluated 2025-04-22.

Conditions:
Inborn genetic diseases. Identifiers: MedGen C0950123, MeSH D030342.

Allele frequency attached by ClinVar (database versions not stated): TOPMed below 0.00001.
gnomAD v4.1: 3 of 1,610,944 alleles (0.00019%); highest among the groups gnomAD compares: East Asian, 0.0022%; no homozygotes.

Submissions (2):

Labcorp Genetics (formerly Invitae), Labcorp
Classification: Uncertain significance. Last evaluated: 2025-04-22. Review status: criteria provided, single submitter. Criteria: Invitae Variant Classification Sherloc (09022015). Collection method: clinical testing. Allele origin: germline.
Comment: This sequence change replaces arginine, which is basic and polar, with proline, which is neutral and non-polar, at codon 147 of the ADCY1 protein (p.Arg147Pro). This variant is present in population databases (rs761877943, gnomAD 0.01%). This variant has not been reported in the literature in individuals affected with ADCY1-related conditions. ClinVar contains an entry for this variant (Variation ID: 3081091). An algorithm developed to predict the effect of missense changes on protein structure and function (PolyPhen-2) suggests that this variant is likely to be tolerated. In summary, the available evidence is currently insufficient to determine the role of this variant in disease. Therefore, it has been classified as a Variant of Uncertain Significance.

Ambry Genetics
Classification: Uncertain significance for Inborn genetic diseases. Last evaluated: 2024-01-30. Review status: criteria provided, single submitter. Criteria: Ambry Variant Classification Scheme 2023. Collection method: clinical testing. Allele origin: germline.

NM_021116.4(ADCY1):c.440G>C (p.Arg147Pro)

Gene: ADCY1 (adenylate cyclase 1; plus strand). Cytogenetic location: 7p12.3.
Variant type: single nucleotide variant.
Coding change: c.440G>C on transcript NM_021116.4 (MANE Select); coding-DNA position 440, G replaced by C.
Protein change: p.Arg147Pro; replaces arginine 147 with proline.
Molecular consequence: missense variant. On other transcripts: 5 prime UTR variant (1).
Genome position (GRCh38, 1-based): chr7:45,574,983, G>C. VCF-style: chr7-45574983-G-C. GRCh37 (hg19) VCF-style: chr7-45614582-G-C.
Other names: c.-236G>C (NM_001281768.2); short protein forms R147P.
Identifiers: ClinVar variation 3081091 (VCV003081091.2), dbSNP rs761877943, ClinGen allele CA4248689.